The following is an entry in ClinVar:

NM_004984.4(KIF5A):c.2722A>C (p.Ser908Arg)

Gene: KIF5A (kinesin family member 5A; plus strand). Cytogenetic location: 12q13.3.
Variant type: single nucleotide variant.
Coding change: c.2722A>C on transcript NM_004984.4 (MANE Select); coding-DNA position 2722, A replaced by C.
Protein change: p.Ser908Arg; replaces serine 908 with arginine.
Molecular consequence: missense variant.
Genome position (GRCh38, 1-based): chr12:57,581,139, A>C. VCF-style: chr12-57581139-A-C. GRCh37 (hg19) VCF-style: chr12-57974922-A-C.
Other names: c.2455A>C, p.Ser819Arg (NM_001354705.2); short protein forms S819R, S908R.
Identifiers: ClinVar variation 1396026 (VCV001396026.6), dbSNP rs2140171539, ClinGen allele CA385515368.
Genomic context (GRCh38, chr12:57,581,139, plus strand): 5'-AAGGACAAGCGCCGGTACCAGCAGGAGGTGGACCGCATCAAGGAGGCCGTTCGCTACAAG[A>C]GCTCGGGCAAACGGGGCCATTCTGCCCAGATTGGTGAGTAGGTGTTAGCAGGCAAGGTGG-3'
Protein context (NP_004975.2, residues 898-918): DRIKEAVRYK[Ser908Arg]SGKRGHSAQI

ClinVar aggregate classification (germline): Uncertain significance. Review status: criteria provided, multiple submitters, no conflicts (2 of 4 stars). 2 submissions from 2 submitters: Uncertain significance (2). Last evaluated 2023-09-06.

Conditions:
Spastic paraplegia. Identifiers: MedGen C0037772, HP:0001258.

Submissions (2):

Greenwood Genetic Center Diagnostic Laboratories, Greenwood Genetic Center
Classification: Uncertain significance. Last evaluated: 2023-09-06. Review status: criteria provided, single submitter. Criteria: ACMG Guidelines, 2015. Collection method: clinical testing. Allele origin: germline. Affected: yes.
Comment: PM2

Labcorp Genetics (formerly Invitae), Labcorp
Classification: Uncertain significance for Spastic paraplegia. Last evaluated: 2023-06-27. Review status: criteria provided, single submitter. Criteria: Invitae Variant Classification Sherloc (09022015). Collection method: clinical testing. Allele origin: germline.
Comment: This sequence change replaces serine, which is neutral and polar, with arginine, which is basic and polar, at codon 908 of the KIF5A protein (p.Ser908Arg). This variant is not present in population databases (gnomAD no frequency). In summary, the available evidence is currently insufficient to determine the role of this variant in disease. Therefore, it has been classified as a Variant of Uncertain Significance. Advanced modeling of protein sequence and biophysical properties (such as structural, functional, and spatial information, amino acid conservation, physicochemical variation, residue mobility, and thermodynamic stability) performed at Invitae indicates that this missense variant is not expected to disrupt KIF5A protein function. ClinVar contains an entry for this variant (Variation ID: 1396026). This variant has not been reported in the literature in individuals affected with KIF5A-related conditions.